The following is an entry in ClinVar:

NM_080746.3(RPL10L):c.94C>T (p.Arg32Cys)

Gene: RPL10L (ribosomal protein L10 like; minus strand). Cytogenetic location: 14q21.2.
Variant type: single nucleotide variant.
Coding change: c.94C>T on transcript NM_080746.3 (MANE Select); coding-DNA position 94, C replaced by T.
Protein change: p.Arg32Cys; replaces arginine 32 with cysteine.
Molecular consequence: missense variant.
Genome position (GRCh38, 1-based): chr14:46,651,643, G>A on the plus strand (C>T on the coding strand, the complement: RPL10L is on the minus strand). VCF-style: chr14-46651643-G-A. GRCh37 (hg19) VCF-style: chr14-47120846-G-A.
Other names: short protein forms R32C.
Identifiers: ClinVar variation 161797 (VCV000161797.3), dbSNP rs193920822, ClinGen allele CA174802.

ClinVar aggregate classification (germline): Uncertain significance. Review status: criteria provided, single submitter (1 of 4 stars). 2 submissions from 2 submitters: Uncertain significance (1). 1 of the submissions does not count toward it. Last evaluated 2023-11-28.

Conditions:
Prostate cancer. Also called: Malignant tumor of prostate. Identifiers: Orphanet 1331, MedGen C0376358, MONDO:0008315, HP:0012125.

Allele frequency attached by ClinVar (database versions not stated): gnomAD exomes below 0.00001; TOPMed 0.00001; ExAC 0.00001; gnomAD 0.00003.

Submissions (2):

Ambry Genetics
Classification: Uncertain significance. Last evaluated: 2023-11-28. Review status: criteria provided, single submitter. Criteria: Ambry Variant Classification Scheme 2023. Collection method: clinical testing. Allele origin: germline.

Science for Life laboratory,  Karolinska Institutet
Classification: Uncertain significance for Malignant tumor of prostate. Review status: no assertion criteria provided. Collection method: not provided. Allele origin: somatic. Not counted in ClinVar's aggregate classification.
Comment: TumorID:SWE-13
ClinVar note: Converted during submission from Unknown to Uncertain significance.